The following is an entry in ClinVar:

ClinVar aggregate classification (germline): Uncertain significance. Review status: criteria provided, multiple submitters, no conflicts (2 of 4 stars). 2 submissions from 2 submitters: Uncertain significance (2). Last evaluated 2026-02-25.

Conditions:
Inborn genetic diseases. Identifiers: MedGen C0950123, MeSH D030342.

Allele frequency attached by ClinVar (database versions not stated): gnomAD 0.00003; gnomAD exomes below 0.00001; TOPMed 0.00006.
gnomAD v4.1: 9 of 1,613,318 alleles (0.00056%); highest among the groups gnomAD compares: Admixed American, 0.0083%; no homozygotes.

Submissions (2):

Dasa
Classification: Uncertain significance. Last evaluated: 2026-02-25. Review status: criteria provided, single submitter. Criteria: DASA Assertion Criteria. Collection method: clinical testing. Allele origin: germline.
Comment: NM_033004.4(NLRP1):c.3626A>T (p.Asn1209Ile) is a missense variant that results in the substitution of asparagine with isoleucine. This variant is rare in population databases. The currently available literature and clinical evidence are not sufficient to establish a definitive association between this variant and the reported condition. Therefore, this variant is classified as a variant of uncertain significance.

Ambry Genetics
Classification: Uncertain significance for Inborn genetic diseases. Last evaluated: 2023-07-25. Review status: criteria provided, single submitter. Criteria: Ambry Variant Classification Scheme 2023. Collection method: clinical testing. Allele origin: germline.

NM_033004.4(NLRP1):c.3626A>T (p.Asn1209Ile)

Gene: NLRP1 (NLR family pyrin domain containing 1; minus strand). Cytogenetic location: 17p13.2.
Variant type: single nucleotide variant.
Coding change: c.3626A>T on transcript NM_033004.4 (MANE Select); coding-DNA position 3626, A replaced by T.
Protein change: p.Asn1209Ile; replaces asparagine 1209 with isoleucine.
Molecular consequence: missense variant.
Genome position (GRCh38, 1-based): chr17:5,521,681, T>A on the plus strand (A>T on the coding strand, the complement: NLRP1 is on the minus strand). VCF-style: chr17-5521681-T-A. GRCh37 (hg19) VCF-style: chr17-5425001-T-A.
Other names: c.3638A>T, p.Asn1213Ile (NM_001033053.3); c.3626A>T, p.Asn1209Ile (NM_014922.5); c.3536A>T, p.Asn1179Ile (NM_033006.4, NM_033007.4); short protein forms N1179I, N1209I, N1213I.
Identifiers: ClinVar variation 2602558 (VCV002602558.4), dbSNP rs971660228, ClinGen allele CA287278903.